The following is an entry in ClinVar:

ClinVar aggregate classification (germline): Uncertain significance (1 of 4 stars; one submission).

Conditions:
Cerebroretinal microangiopathy with calcifications and cysts 1 (CRMCC1). Identifiers: Orphanet 313838, MedGen C4552029, MONDO:0024564, OMIM 612199.

Submission:

Institute of Human Genetics, University of Goettingen
Classification: Uncertain significance for Cerebroretinal microangiopathy with calcifications and cysts 1. Last evaluated: 2026-07-29. Review status: criteria provided, single submitter. Criteria: ACMG Guidelines, 2015. Collection method: clinical testing. Allele origin: germline. Affected: yes. Observed: 1 variant allele, 1 heterozygote.
Comment: The NM_025099.6(CTC1):c.1810C>G (p.Pro604Ala) variant causes a missense change involving the alteration of a non-conserved nucleotide. The variant is absent from the gnomAD population database at sites with sufficient sequencing coverage. Splicing prediction tools (SpliceAI) predict no significant impact on normal splicing. No clinical diagnostic laboratories have submitted clinical-significance assessments for this variant to ClinVar. Other variants at the same amino acid position have been reported in ClinVar (not pathogenic): p.P604= (synonymous): Likely_benign (ClinVar VariationId 1985913, 1 star). ACMG criteria used for classification: PM2_sup

NM_025099.6(CTC1):c.1810C>G (p.Pro604Ala)

Gene: CTC1 (CST telomere replication complex component 1; minus strand). Cytogenetic location: 17p13.1.
Variant type: single nucleotide variant.
Coding change: c.1810C>G on transcript NM_025099.6 (MANE Select); coding-DNA position 1810, C replaced by G.
Protein change: p.Pro604Ala; replaces proline 604 with alanine.
Molecular consequence: missense variant. On other transcripts: non-coding transcript variant (1).
Genome position (GRCh38, 1-based): chr17:8,234,463, G>C on the plus strand (C>G on the coding strand, the complement: CTC1 is on the minus strand). VCF-style: chr17-8234463-G-C. GRCh37 (hg19) VCF-style: chr17-8137781-G-C.
Other names: c.1810C>G, p.Pro604Ala (NM_001411067.1); short protein forms P604A.
Identifiers: ClinVar variation 4886895 (VCV004886895.1).